The following is an entry in ClinVar:

NM_016642.4(SPTBN5):c.10872G>A (p.Pro3624=)

Gene: SPTBN5 (spectrin beta, non-erythrocytic 5; minus strand). Cytogenetic location: 15q15.1.
Variant type: single nucleotide variant.
Coding change: c.10872G>A on transcript NM_016642.4 (MANE Select); coding-DNA position 10872, G replaced by A.
Protein change: p.Pro3624=; no amino-acid change (proline 3624 retained).
Molecular consequence: synonymous variant.
Genome position (GRCh38, 1-based): chr15:41,850,903, C>T on the plus strand (G>A on the coding strand, the complement: SPTBN5 is on the minus strand). VCF-style: chr15-41850903-C-T. GRCh37 (hg19) VCF-style: chr15-42143101-C-T.
Identifiers: ClinVar variation 3051654 (VCV003051654.2), dbSNP rs369869947, ClinGen allele CA7500707.

ClinVar aggregate classification (germline): Likely benign (0 of 4 stars; one submission).

Conditions:
SPTBN5-related disorder. Also called: SPTBN5-related condition.

Allele frequency attached by ClinVar (database versions not stated): gnomAD 0.00007; ExAC 0.00008; TOPMed 0.00012; ESP Exome Variant Server 0.00016.
gnomAD v4.1: 180 of 1,603,940 alleles (0.011%); highest among the groups gnomAD compares: African/African-American, 0.015%; 1 homozygote.

Submission:

PreventionGenetics, part of Exact Sciences
Classification: Likely benign for SPTBN5-related condition. Last evaluated: 2020-01-06. Review status: no assertion criteria provided. Collection method: clinical testing. Allele origin: germline.
Comment: This variant is classified as likely benign based on ACMG/AMP sequence variant interpretation guidelines (Richards et al. 2015 PMID: 25741868, with internal and published modifications).